The following is an entry in ClinVar:

NM_004655.4(AXIN2):c.2062_2064delinsTTA (p.Leu688=)

Gene: AXIN2 (axin 2; minus strand). Cytogenetic location: 17q24.1.
Variant type: Indel.
Coding change: c.2062_2064delinsTTA on transcript NM_004655.4 (MANE Select); coding-DNA positions 2062 to 2064, CTG replaced by TTA.
Protein change: p.Leu688=; no amino-acid change (leucine 688 retained).
Molecular consequence: synonymous variant.
Genome position (GRCh38, 1-based): chr17:65,536,397-65,536,399, CAG replaced by TAA on the plus strand (CTG replaced by TTA on the coding strand, the reverse complement: AXIN2 is on the minus strand). VCF-style: chr17-65536397-CAG-TAA. GRCh37 (hg19) VCF-style: chr17-63532515-CAG-TAA.
Other names: c.1867_1869delinsTTA, p.Leu623= (NM_001363813.1).
Identifiers: ClinVar variation 3379022 (VCV003379022.2).

ClinVar aggregate classification (germline): Benign/Likely benign. Review status: criteria provided, multiple submitters, no conflicts (2 of 4 stars). 2 submissions from 2 submitters: Benign (1); Likely benign (1). Last evaluated 2026-06-29.

Conditions:
Oligodontia-cancer predisposition syndrome. Also called: TOOTH AGENESIS-COLORECTAL CANCER SYNDROME. Identifiers: Orphanet 300576, MedGen C1837750, MONDO:0012075, OMIM 608615. Disease mechanism: loss of function.
Hereditary cancer-predisposing syndrome. Also called: Tumor predisposition; Hereditary Cancer Syndrome; Hereditary neoplastic syndrome; Neoplastic Syndromes, Hereditary. Identifiers: Orphanet 140162, MedGen C0027672, MeSH D009386, MONDO:0015356.

Submissions (2):

Ambry Genetics
Classification: Likely benign for Hereditary cancer-predisposing syndrome. Last evaluated: 2026-06-29. Review status: criteria provided, single submitter. Criteria: Ambry Variant Classification Scheme 2023. Collection method: clinical testing. Allele origin: germline.

Myriad Genetics, Inc.
Classification: Benign for Oligodontia-cancer predisposition syndrome. Last evaluated: 2024-07-09. Review status: criteria provided, single submitter. Criteria: Myriad Autosomal Dominant, Autosomal Recessive and X-Linked Classification Criteria (2023). Collection method: clinical testing. Allele origin: unknown.
Comment: This variant is considered benign. This variant is a silent/synonymous amino acid change and it is not expected to impact splicing.